The following is an entry in ClinVar:

ClinVar aggregate classification (germline): Conflicting classifications of pathogenicity. Review status: criteria provided, conflicting classifications (1 of 4 stars). 6 submissions from 6 submitters: Uncertain significance (4); Likely benign (1). 1 of the submissions does not count toward it. Last evaluated 2026-01-09.

Conditions:
Zellweger spectrum disorders (ZS). Also called: Zellweger syndrome; Zellweger Spectrum Disorder (ZSD); Zellweger Spectrum Disorder; Zellweger Spectrum. Identifiers: Orphanet 912, MedGen C0043459, MONDO:0019609.

Allele frequency attached by ClinVar (database versions not stated): gnomAD exomes 0.00001 and 0.00003; gnomAD 0.00006 and 0.00005; ExAC 0.00005; TOPMed 0.00014; ESP Exome Variant Server 0.00015.
gnomAD v4.1: 19 of 1,544,500 alleles (0.0012%); highest among the groups gnomAD compares: African/African-American, 0.021%; no homozygotes.

Submissions (6):

Labcorp Genetics (formerly Invitae), Labcorp
Classification: Likely benign for Zellweger spectrum disorders. Last evaluated: 2026-01-09. Review status: criteria provided, single submitter. Criteria: Invitae Variant Classification Sherloc (09022015). Collection method: clinical testing. Allele origin: germline.

GeneDx
Classification: Uncertain significance. Last evaluated: 2024-10-14. Review status: criteria provided, single submitter. Criteria: GeneDx Variant Classification Process June 2021. Collection method: clinical testing. Allele origin: germline. Affected: yes.
Comment: In silico analysis indicates that this missense variant does not alter protein structure/function; Has not been previously published as pathogenic or benign to our knowledge

Mayo Clinic Laboratories, Mayo Clinic
Classification: Uncertain significance. Last evaluated: 2023-12-01. Review status: criteria provided, single submitter. Criteria: ACMG Guidelines, 2015. Collection method: clinical testing. Allele origin: germline. Observed: 1 variant allele.
Comment: BP4

Blueprint Genetics
Classification: Uncertain significance. Last evaluated: 2022-12-01. Review status: criteria provided, single submitter. Criteria: ACMG Guidelines, 2015. Collection method: clinical testing. Allele origin: germline.

Eurofins Ntd Llc (ga)
Classification: Uncertain significance. Last evaluated: 2017-08-08. Review status: criteria provided, single submitter. Criteria: EGL Classification Definitions 2015. Collection method: clinical testing. Allele origin: germline. Observed: 2 variant alleles, 2 heterozygotes.

Natera, Inc.
Classification: Uncertain significance for Zellweger syndrome. Last evaluated: 2018-06-14. Review status: no assertion criteria provided. Collection method: clinical testing. Allele origin: germline. Not counted in ClinVar's aggregate classification.

NM_000466.3(PEX1):c.674T>A (p.Ile225Asn)

Gene: PEX1 (peroxisomal biogenesis factor 1; minus strand). Cytogenetic location: 7q21.2.
Variant type: single nucleotide variant.
Coding change: c.674T>A on transcript NM_000466.3 (MANE Select); coding-DNA position 674, T replaced by A.
Protein change: p.Ile225Asn; replaces isoleucine 225 with asparagine.
Molecular consequence: missense variant.
Genome position (GRCh38, 1-based): chr7:92,517,841, A>T on the plus strand (T>A on the coding strand, the complement: PEX1 is on the minus strand). VCF-style: chr7-92517841-A-T. GRCh37 (hg19) VCF-style: chr7-92147155-A-T.
Other names: c.674T>A, p.Ile225Asn (NM_001282677.2); c.50T>A, p.Ile17Asn (NM_001282678.2); short protein forms I225N, I17N.
Identifiers: ClinVar variation 93114 (VCV000093114.25), dbSNP rs372485912, ClinGen allele CA220984.
Genomic context (GRCh38, chr7:92,517,841, plus strand): 5'-AAACTTGCTACTGATGATGAGTCAACTGGAATCTCTGACTCGTTTTCATTAGATTCAGTG[A>T]TTCCCACAGTATTTGACTGAAGTTGCTTGGTTTGAAGTTCTTTCATCATTCCTTTCTGGT-3'
Protein context (NP_000457.1, residues 215-235): TKQLQSNTVG[Ile225Asn]TESNENESEI